The following is an entry in ClinVar:

ClinVar aggregate classification (germline): Likely benign. Review status: criteria provided, multiple submitters, no conflicts (2 of 4 stars). 2 submissions from 2 submitters: Likely benign (2). Last evaluated 2025-09-21.

Conditions:
ADGRV1-related disorder. Also called: ADGRV1-related disorders; ADGRV1-related condition.

Allele frequency attached by ClinVar (database versions not stated): TOPMed below 0.00001; gnomAD 0.00001.
gnomAD v4.1: 1 of 1,551,826 alleles (0.000064%); highest among the groups gnomAD compares: Non-Finnish European, 0.000087%; no homozygotes.

Submissions (2):

PreventionGenetics, part of Exact Sciences
Classification: Likely benign for ADGRV1-related condition. Last evaluated: 2025-09-21. Review status: criteria provided, single submitter. Criteria: ACMG Guidelines, 2015. Collection method: clinical testing. Allele origin: germline.
Comment: This variant is classified as likely benign based on ACMG/AMP sequence variant interpretation guidelines (Richards et al. 2015 PMID: 25741868, with internal and published modifications).

Labcorp Genetics (formerly Invitae), Labcorp
Classification: Likely benign. Last evaluated: 2023-11-27. Review status: criteria provided, single submitter. Criteria: Invitae Variant Classification Sherloc (09022015). Collection method: clinical testing. Allele origin: germline.

NM_032119.4(ADGRV1):c.6490+7A>G

Gene: ADGRV1 (adhesion G protein-coupled receptor V1; plus strand). Cytogenetic location: 5q14.3.
Variant type: single nucleotide variant.
Coding change: c.6490+7A>G on transcript NM_032119.4 (MANE Select); 7 bases into the intron after coding-DNA position 6490, A replaced by G.
Molecular consequence: intron variant.
Genome position (GRCh38, 1-based): chr5:90,686,002, A>G. VCF-style: chr5-90686002-A-G. GRCh37 (hg19) VCF-style: chr5-89981819-A-G.
Other names: c.6490+7A>G (NM_032119.3).
Identifiers: ClinVar variation 1629181 (VCV001629181.9), dbSNP rs1208831012, ClinGen allele CA815369384.